The following is an entry in ClinVar:

NM_022168.4(IFIH1):c.1534A>C (p.Asn512His)

Gene: IFIH1 (interferon induced with helicase C domain 1; minus strand). Cytogenetic location: 2q24.2.
Variant type: single nucleotide variant.
Coding change: c.1534A>C on transcript NM_022168.4 (MANE Select); coding-DNA position 1534, A replaced by C.
Protein change: p.Asn512His; replaces asparagine 512 with histidine.
Molecular consequence: missense variant.
Genome position (GRCh38, 1-based): chr2:162,280,103, T>G on the plus strand (A>C on the coding strand, the complement: IFIH1 is on the minus strand). VCF-style: chr2-162280103-T-G. GRCh37 (hg19) VCF-style: chr2-163136613-T-G.
Other names: short protein forms N512H.
Identifiers: ClinVar variation 1406124 (VCV001406124.8), dbSNP rs2105200526, ClinGen allele CA349001184.

ClinVar aggregate classification (germline): Uncertain significance (1 of 4 stars; one submission).

Conditions:
Singleton-Merten syndrome 1 (SGMRT1). Also called: Widened medullary cavities of bone, aortic calcification, abnormal dentition, and muscular weakness; Syndrome of widened medullary cavities of the metacarpals and phalanges, aortic calcification and abnormal dentition. Identifiers: Orphanet 85191, MedGen C4225427, MONDO:0024535, OMIM 182250.
Aicardi-Goutieres syndrome 7 (AGS7). Identifiers: Orphanet 51, MedGen C3888244, MONDO:0014367, OMIM 615846.

Submission:

Labcorp Genetics (formerly Invitae), Labcorp
Classification: Uncertain significance for Aicardi-Goutieres syndrome 7; Singleton-Merten syndrome 1. Last evaluated: 2025-10-21. Review status: criteria provided, single submitter. Criteria: Invitae Variant Classification Sherloc (09022015). Collection method: clinical testing. Allele origin: germline.
Comment: This sequence change replaces asparagine, which is neutral and polar, with histidine, which is basic and polar, at codon 512 of the IFIH1 protein (p.Asn512His). This variant is not present in population databases (gnomAD no frequency). This variant has not been reported in the literature in individuals affected with IFIH1-related conditions. ClinVar contains an entry for this variant (Variation ID: 1406124). Invitae Evidence Modeling of protein sequence and biophysical properties (such as structural, functional, and spatial information, amino acid conservation, physicochemical variation, residue mobility, and thermodynamic stability) has been performed for this missense variant. However, the output from this modeling did not meet the statistical confidence thresholds required to predict the impact of this variant on IFIH1 protein function. In summary, the available evidence is currently insufficient to determine the role of this variant in disease. Therefore, it has been classified as a Variant of Uncertain Significance.